The following is an entry in ClinVar:

NM_000165.5(GJA1):c.814T>C (p.Ser272Pro)

Gene: GJA1 (gap junction protein alpha 1; plus strand). Cytogenetic location: 6q22.31.
Variant type: single nucleotide variant.
Coding change: c.814T>C on transcript NM_000165.5 (MANE Select); coding-DNA position 814, T replaced by C.
Protein change: p.Ser272Pro; replaces serine 272 with proline.
Molecular consequence: missense variant.
Genome position (GRCh38, 1-based): chr6:121,447,661, T>C. VCF-style: chr6-121447661-T-C. GRCh37 (hg19) VCF-style: chr6-121768807-T-C.
Other names: short protein forms S272P.
Identifiers: ClinVar variation 580391 (VCV000580391.16), dbSNP rs376074787, ClinGen allele CA3981761.
Genomic context (GRCh38, chr6:121,447,661, plus strand): 5'-GGTGCGCTGAGCCCTGCCAAAGACTGTGGGTCTCAAAAATATGCTTATTTCAATGGCTGC[T>C]CCTCACCAACCGCTCCCCTCTCGCCTATGTCTCCTCCTGGGTACAAGCTGGTTACTGGCG-3'
Protein context (NP_000156.1, residues 262-282): SQKYAYFNGC[Ser272Pro]SPTAPLSPMS

ClinVar aggregate classification (germline): Conflicting classifications of pathogenicity. Review status: criteria provided, conflicting classifications (1 of 4 stars). 6 submissions from 4 submitters: Uncertain significance (4); Benign (2). Last evaluated 2026-02-27.

Conditions:
GJA1-related disorder. Also called: GJA1-related condition.
Oculodentodigital dysplasia, autosomal recessive. Also called: OCULODENTOOSSEOUS DYSPLASIA, AUTOSOMAL RECESSIVE; ODDD, AUTOSOMAL RECESSIVE; ODOD, AUTOSOMAL RECESSIVE. Identifiers: Orphanet 2710, MedGen C2749477, MONDO:0009768, OMIM 257850.
Oculodentodigital dysplasia (ODDD). Also called: ODD SYNDROME; Oculodentodigital syndrome. Identifiers: Orphanet 2710, MedGen C0812437, MONDO:0008111, OMIM 164200.
Syndactyly type 3 (SDTY3). Also called: RING AND LITTLE FINGER SYNDACTYLY; SYNDACTYLY OF FINGERS IV AND V. Identifiers: Orphanet 93404, MedGen C1861366, MONDO:0008514, OMIM 186100.
Hypoplastic left heart syndrome 1 (HLHS1). Identifiers: Orphanet 2248, MedGen C4551854, MONDO:0009433, OMIM 241550.

Allele frequency attached by ClinVar (database versions not stated): gnomAD 0.00001; TOPMed 0.00003; gnomAD exomes 0.00004 and 0.00005; ExAC 0.00005; ESP Exome Variant Server 0.00023.

Submissions (6):

PreventionGenetics, part of Exact Sciences
Classification: Uncertain significance for GJA1-related condition. Last evaluated: 2026-02-27. Review status: criteria provided, single submitter. Criteria: ACMG Guidelines, 2015. Collection method: clinical testing. Allele origin: germline.
Comment: The GJA1 c.814T>C variant is predicted to result in the amino acid substitution p.Ser272Pro. This variant was reported in an infant with sudden death syndrome; however, pathogenicity was not established (Van Norstrand et al. 2012. PubMed ID: 22179534; Klaver et al. 2011. PubMed ID: 21215473). Functional studies indicated that the p.Ser272Pro variant did not disrupt trafficking and maintained wildtype levels of junctional conductance (Van Norstrand et al. 2012. PubMed ID: 22179534). This variant is reported in 0.0070% of alleles in individuals of European (Non-Finnish) descent in gnomAD. At this time, the clinical significance of this variant is uncertain due to the absence of conclusive functional and genetic evidence.

Labcorp Genetics (formerly Invitae), Labcorp
Classification: Uncertain significance for Oculodentodigital dysplasia, autosomal recessive. Last evaluated: 2025-08-22. Review status: criteria provided, single submitter. Criteria: Invitae Variant Classification Sherloc (09022015). Collection method: clinical testing. Allele origin: germline.
Comment: This sequence change replaces serine, which is neutral and polar, with proline, which is neutral and non-polar, at codon 272 of the GJA1 protein (p.Ser272Pro). This variant is present in population databases (rs376074787, gnomAD 0.006%). This variant has not been reported in the literature in individuals affected with GJA1-related conditions. ClinVar contains an entry for this variant (Variation ID: 580391). Invitae Evidence Modeling of protein sequence and biophysical properties (such as structural, functional, and spatial information, amino acid conservation, physicochemical variation, residue mobility, and thermodynamic stability) has been performed for this missense variant. However, the output from this modeling did not meet the statistical confidence thresholds required to predict the impact of this variant on GJA1 protein function. Experimental studies have shown that this missense change does not substantially affect GJA1 function (PMID: 22179534). In summary, the available evidence is currently insufficient to determine the role of this variant in disease. Therefore, it has been classified as a Variant of Uncertain Significance.

GeneDx
Classification: Uncertain significance. Last evaluated: 2024-02-15. Review status: criteria provided, single submitter. Criteria: GeneDx Variant Classification Process June 2021. Collection method: clinical testing. Allele origin: germline. Affected: yes.
Comment: In silico analysis supports that this missense variant does not alter protein structure/function; This variant is associated with the following publications: (PMID: 21215473, 22179534, 23103513, 23304551, 31043699, 23465283, 15192806)

Illumina Laboratory Services, Illumina
Classification: Benign for Oculodentodigital dysplasia. Last evaluated: 2017-04-27. Review status: criteria provided, single submitter. Criteria: ICSL Variant Classification Criteria 13 December 2019. Collection method: clinical testing. Allele origin: germline.
Comment: This variant was observed as part of a predisposition screen in an ostensibly healthy population. A literature search was performed for the gene, cDNA change, and amino acid change (where applicable). No publications were found based on this search. Allele frequency data from public databases was too high to be consistent with this variant causing disease. Therefore, this variant is classified as benign.

Illumina Laboratory Services, Illumina
Classification: Benign for Syndactyly type 3. Last evaluated: 2017-04-27. Review status: criteria provided, single submitter. Criteria: ICSL Variant Classification Criteria 13 December 2019. Collection method: clinical testing. Allele origin: germline.
Comment: the same text as in the submission from Illumina Laboratory Services, Illumina above.

Illumina Laboratory Services, Illumina
Classification: Uncertain significance for Hypoplastic left heart syndrome 1. Last evaluated: 2017-04-27. Review status: criteria provided, single submitter. Criteria: ICSL Variant Classification Criteria 13 December 2019. Collection method: clinical testing. Allele origin: germline.
Comment: This variant was observed as part of a predisposition screen in an ostensibly healthy population. A literature search was performed for the gene, cDNA change, and amino acid change (where applicable). Publications were found based on this search. However, the evidence from the literature, in combination with allele frequency data from public databases where available, was not sufficient to rule this variant in or out of causing disease. Therefore, this variant is classified as a variant of unknown significance.

Literature cited by the submitters: PubMed 22179534 (cited by Labcorp Genetics (formerly Invitae), Labcorp and Illumina Laboratory Services, Illumina); PubMed 23103513 (cited by Illumina Laboratory Services, Illumina); PubMed 23465283 (cited by Illumina Laboratory Services, Illumina); PubMed 21215473 (cited by Illumina Laboratory Services, Illumina); PubMed 15192806 (cited by Illumina Laboratory Services, Illumina); PubMed 23304551 (cited by Illumina Laboratory Services, Illumina).